The following is an entry in ClinVar:

NC_012920.1(MT-ATP8):m.8563A>G

Genes: MT-ATP6 (mitochondrially encoded ATP synthase 6; plus strand), MT-ATP8 (mitochondrially encoded ATP synthase 8; plus strand).
Variant type: single nucleotide variant.
Genome position: chrM-8563-A-G.
Identifiers: ClinVar variation 692903 (VCV000692903.1), dbSNP rs386829041, ClinGen allele CA414796712.

ClinVar aggregate classification (germline): Benign (1 of 4 stars; one submission).

Conditions:
Leigh syndrome (NULS). Also called: Leigh's necrotizing encephalopathy; Leigh's disease; Leigh Syndrome (mtDNA deletion); Leigh Disease; Subacute necrotizing encephalopathy; Necrotizing encephalopathy infantile subacute of Leigh. Identifiers: Orphanet 506, MedGen C2931891, MONDO:0009723, OMIM 256000.

Submission:

Wong Mito Lab, Molecular and Human Genetics, Baylor College of Medicine
Classification: Benign for Leigh syndrome. Last evaluated: 2019-10-17. Review status: criteria provided, single submitter. Criteria: Modified ACMG Guidelines (Unpublished). Collection method: clinical testing. Allele origin: germline.
Comment: The NC_012920.1:m.8563A>G (YP_003024031.1:p.Thr13Ala) variant in MTATP6 gene is interpretated to be a Benign variant based on the modified ACMG guidelines (unpublished). This variant meets the following evidence codes: BS1, BS2